The following is an entry in ClinVar:

ClinVar aggregate classification (germline): Likely benign. Review status: criteria provided, multiple submitters, no conflicts (2 of 4 stars). 2 submissions from 2 submitters: Likely benign (2). Last evaluated 2024-06-03.

Conditions:
Familial cancer of breast. Also called: BREAST CANCER, FAMILIAL; Hereditary breast cancer; hereditary breast carcinoma. Identifiers: Orphanet 227535, MedGen C0346153, MONDO:0016419, OMIM 114480. Disease mechanism: loss of function.
Ataxia-telangiectasia syndrome (AT). Also called: LOUIS-BAR SYNDROME; Cerebello-oculocutaneous telangiectasia; Immunodeficiency with ataxia telangiectasia; Ataxia telangiectasia (A-T); Ataxia-telangiectasia, complementation group D; AT, COMPLEMENTATION GROUP C. Identifiers: Orphanet 100, MedGen C0004135, MONDO:0008840, OMIM 208900.

Submissions (2):

Myriad Genetics, Inc.
Classification: Likely benign for Familial cancer of breast. Last evaluated: 2024-06-03. Review status: criteria provided, single submitter. Criteria: Myriad Autosomal Dominant, Autosomal Recessive and X-Linked Classification Criteria (2023). Collection method: clinical testing. Allele origin: unknown.
Comment: This variant is considered likely benign. This variant is intronic and is not expected to impact mRNA splicing.

Labcorp Genetics (formerly Invitae), Labcorp
Classification: Likely benign for Ataxia-telangiectasia syndrome. Last evaluated: 2024-04-24. Review status: criteria provided, single submitter. Criteria: Invitae Variant Classification Sherloc (09022015). Collection method: clinical testing. Allele origin: germline.

NM_000051.4(ATM):c.6198+8T>G

Genes: ATM (ATM serine/threonine kinase; plus strand), C11orf65 (chromosome 11 open reading frame 65; minus strand). Cytogenetic location: 11q22.3.
Variant type: single nucleotide variant.
Coding change: c.6198+8T>G on transcript NM_000051.4 (MANE Select); 8 bases into the intron after coding-DNA position 6198, T replaced by G.
Molecular consequence: intron variant.
Genome position (GRCh38, 1-based): chr11:108,316,121, T>G. VCF-style: chr11-108316121-T-G. GRCh37 (hg19) VCF-style: chr11-108186848-T-G.
Other names: c.6198+8T>G (NM_001351834.2); c.641-7050A>C (NM_001330368.2); c.*39-7050A>C (NM_001351110.2).
Identifiers: ClinVar variation 1546026 (VCV001546026.9), dbSNP rs2136133343, ClinGen allele CA2573146626.
Genomic context (GRCh38, chr11:108,316,121, plus strand): 5'-ATGACCTCGAAACAGCAATCCCCTCATCAACACGCCAGGCAGGAATCATTCAGGTACATT[T>G]TTTCCCAGATTTGGTAAAGCCATCACTAGTGTAGTGCTGAGGTTATTTCAGTATGTTGGT-3'